The following is an entry in ClinVar:

ClinVar aggregate classification (germline): Likely benign. Review status: criteria provided, multiple submitters, no conflicts (2 of 4 stars). 2 submissions from 2 submitters: Likely benign (2). Last evaluated 2018-01-12.

Conditions:
Charcot-Marie-Tooth disease type 1D. Also called: CHARCOT-MARIE-TOOTH NEUROPATHY, TYPE 1D; HEREDITARY MOTOR AND SENSORY NEUROPATHY 1D; HMSN ID; Charcot-Marie-Tooth disease, demyelinating, type 1d. Identifiers: Orphanet 101084, MedGen C1843247, MONDO:0011890, OMIM 607678.
Charcot-Marie-Tooth disease. Also called: Charcot-Marie-Tooth Neuropathy; Charcot-Marie-Tooth Hereditary Neuropathy. Identifiers: Orphanet 166, MedGen C0007959, MONDO:0015626.

Allele frequency attached by ClinVar (database versions not stated): gnomAD 0.00002 and 0.00004; gnomAD exomes 0.00002 and 0.00008; TOPMed 0.00004; ExAC 0.00008; 1000 Genomes Project 30x 0.00047; 1000 Genomes Project 0.00060.

Submissions (2):

Illumina Laboratory Services, Illumina
Classification: Likely benign for Charcot-Marie-Tooth disease type 1D. Last evaluated: 2018-01-12. Review status: criteria provided, single submitter. Criteria: ICSL Variant Classification Criteria 13 December 2019. Collection method: clinical testing. Allele origin: germline.
Comment: This variant was observed in the ICSL laboratory as part of a predisposition screen in an ostensibly healthy population. It had not been previously curated by ICSL or reported in the Human Gene Mutation Database (HGMD: prior to June 1st, 2018), and was therefore a candidate for classification through an automated scoring system. Utilizing variant allele frequency, disease prevalence and penetrance estimates, and inheritance mode, an automated score was calculated to assess if this variant is too frequent to cause the disease. Based on the score and internal cut-off values, a variant classified as likely benign is not then subjected to further curation. The score for this variant resulted in a classification of likely benign for this disease.

Molecular Genetics Laboratory, London Health Sciences Centre
Classification: Likely benign for Charcot-Marie-Tooth disease. Review status: criteria provided, single submitter. Criteria: ACMG Guidelines, 2015. Collection method: clinical testing. Allele origin: germline. Affected: yes.

NM_000399.5(EGR2):c.-1A>G

Gene: EGR2 (early growth response 2; minus strand). Cytogenetic location: 10q21.3.
Variant type: single nucleotide variant.
Coding change: c.-1A>G on transcript NM_000399.5 (MANE Select); 1 bases upstream of the start codon, A replaced by G.
Molecular consequence: 5 prime UTR variant. On other transcripts: intron variant (3).
Genome position (GRCh38, 1-based): chr10:62,816,030, T>C on the plus strand (A>G on the coding strand, the complement: EGR2 is on the minus strand). VCF-style: chr10-62816030-T-C. GRCh37 (hg19) VCF-style: chr10-64575790-T-C.
Other names: c.-90-61A>G (NM_001321037.2); c.-91+40A>G (NM_001136179.3); c.-1A>G (NM_001136177.3, NM_001136178.2); c.100-61A>G (NM_001410931.1).
Identifiers: ClinVar variation 300281 (VCV000300281.6), dbSNP rs553201646, ClinGen allele CA5517349.
Genomic context (GRCh38, chr10:62,816,030, plus strand): 5'-CTGGTGCACAAAACCACTGAGAGTTACTGGGATTTTGTCTACGGCCTTGGCGGTCATCAT[T>C]TGCTCCTCGCACAACCTGGAGACCCAACTCCCTCGCTACCTGGAGTGTCAGAAAAGCCGT-3'